The following is an entry in ClinVar:

NM_025132.4(WDR19):c.1716A>G (p.Val572=)

Gene: WDR19 (WD repeat domain 19; plus strand). Cytogenetic location: 4p14.
Variant type: single nucleotide variant.
Coding change: c.1716A>G on transcript NM_025132.4 (MANE Select); coding-DNA position 1716, A replaced by G.
Protein change: p.Val572=; no amino-acid change (valine 572 retained).
Molecular consequence: synonymous variant.
Genome position (GRCh38, 1-based): chr4:39,228,296, A>G. VCF-style: chr4-39228296-A-G. GRCh37 (hg19) VCF-style: chr4-39229916-A-G.
Other names: c.1236A>G, p.Val412= (NM_001317924.2).
Identifiers: ClinVar variation 1039692 (VCV001039692.9), dbSNP rs1730484886, ClinGen allele CA438941457.

ClinVar aggregate classification (germline): Uncertain significance. Review status: criteria provided, multiple submitters, no conflicts (2 of 4 stars). 2 submissions from 2 submitters: Uncertain significance (2). Last evaluated 2024-04-23.

Conditions:
Spermatogenic failure 72 (SPGF72). Identifiers: MedGen C5676980, MONDO:0030809, OMIM 619867.
Cranioectodermal dysplasia 4 (CED4). Identifiers: Orphanet 1515, MedGen C3280616, MONDO:0013719, OMIM 614378.
Asphyxiating thoracic dystrophy 5 (SRTD5). Also called: SHORT-RIB THORACIC DYSPLASIA 5 WITH OR WITHOUT POLYDACTYLY; SHORT-RIB THORACIC DYSPLASIA 5 WITHOUT POLYDACTYLY. Identifiers: Orphanet 474, MedGen C3280598, MONDO:0013717, OMIM 614376.
Nephronophthisis 13 (NPHP13). Identifiers: Orphanet 655, MedGen C3280612, MONDO:0013718, OMIM 614377.
Senior-Loken syndrome 8 (SLSN8). Identifiers: Orphanet 3156, MedGen C4225376, MONDO:0014579, OMIM 616307.

Allele frequency attached by ClinVar (database versions not stated): gnomAD 0.00001; TOPMed 0.00002.
gnomAD v4.1: 2 of 1,613,390 alleles (0.00012%); highest among the groups gnomAD compares: African/African-American, 0.0027%; no homozygotes.

Submissions (2):

Fulgent Genetics
Classification: Uncertain significance for Asphyxiating thoracic dystrophy 5; Nephronophthisis 13; Cranioectodermal dysplasia 4; Senior-Loken syndrome 8; Spermatogenic failure 72. Last evaluated: 2024-04-23. Review status: criteria provided, single submitter. Criteria: ACMG Guidelines, 2015. Collection method: clinical testing. Allele origin: germline.

Labcorp Genetics (formerly Invitae), Labcorp
Classification: Uncertain significance for Senior-Loken syndrome 8; Asphyxiating thoracic dystrophy 5. Last evaluated: 2020-07-03. Review status: criteria provided, single submitter. Criteria: Invitae Variant Classification Sherloc (09022015). Collection method: clinical testing. Allele origin: germline.
Comment: Algorithms developed to predict the effect of sequence changes on RNA splicing suggest that this variant may create or strengthen a splice site, but this prediction has not been confirmed by published transcriptional studies. This variant has not been reported in the literature in individuals with WDR19-related conditions. This variant is not present in population databases (ExAC no frequency). This sequence change affects codon 572 of the WDR19 mRNA. It is a 'silent' change, meaning that it does not change the encoded amino acid sequence of the WDR19 protein. In summary, the available evidence is currently insufficient to determine the role of this variant in disease. Therefore, it has been classified as a Variant of Uncertain Significance.